The following is an entry in ClinVar:

NM_001374504.1(TMPRSS6):c.882G>A (p.Ala294=)

Gene: TMPRSS6 (transmembrane serine protease 6; minus strand). Cytogenetic location: 22q12.3.
Variant type: single nucleotide variant.
Coding change: c.882G>A on transcript NM_001374504.1 (MANE Select); coding-DNA position 882, G replaced by A.
Protein change: p.Ala294=; no amino-acid change (alanine 294 retained).
Molecular consequence: synonymous variant.
Genome position (GRCh38, 1-based): chr22:37,086,374, C>T on the plus strand (G>A on the coding strand, the complement: TMPRSS6 is on the minus strand). VCF-style: chr22-37086374-C-T. GRCh37 (hg19) VCF-style: chr22-37482414-C-T.
Other names: c.882G>A, p.Ala294= (NM_001289000.2, NM_001289001.2, NM_153609.4).
Identifiers: ClinVar variation 341593 (VCV000341593.36), dbSNP rs370192027, ClinGen allele CA10215860.

ClinVar aggregate classification (germline): Conflicting classifications of pathogenicity. Review status: criteria provided, conflicting classifications (1 of 4 stars). 3 submissions from 3 submitters: Uncertain significance (1); Likely benign (2). Last evaluated 2024-02-17.

Conditions:
Microcytic anemia. Identifiers: MedGen C5194182, MONDO:0001245, HP:0001935. Disease mechanism: loss of function.

Allele frequency attached by ClinVar (database versions not stated): gnomAD 0.00009; gnomAD exomes 0.00011; TOPMed 0.00013; ExAC 0.00015; ESP Exome Variant Server 0.00015.
gnomAD v4.1: 200 of 1,610,428 alleles (0.012%); highest among the groups gnomAD compares: Middle Eastern, 0.049%; no homozygotes.

Submissions (3):

Labcorp Genetics (formerly Invitae), Labcorp
Classification: Likely benign. Last evaluated: 2024-02-17. Review status: criteria provided, single submitter. Criteria: Invitae Variant Classification Sherloc (09022015). Collection method: clinical testing. Allele origin: germline.

CeGaT Center for Human Genetics Tuebingen
Classification: Likely benign. Last evaluated: 2023-01-01. Review status: criteria provided, single submitter. Criteria: CeGaT Center For Human Genetics Tuebingen Variant Classification Criteria Version 2. Collection method: clinical testing. Allele origin: germline. Affected: yes. Observed: 1 variant allele.
Comment: TMPRSS6: BP4, BP7

Illumina Laboratory Services, Illumina
Classification: Uncertain significance for Iron-refractory iron deficiency anemia. Last evaluated: 2018-01-13. Review status: criteria provided, single submitter. Criteria: ICSL Variant Classification Criteria 13 December 2019. Collection method: clinical testing. Allele origin: germline.